The following is an entry in ClinVar:

ClinVar aggregate classification (germline): Pathogenic/Likely pathogenic. Review status: criteria provided, multiple submitters, no conflicts (2 of 4 stars). 3 submissions from 3 submitters: Pathogenic (2); Likely pathogenic (1). Last evaluated 2023-05-19.

Conditions:
Hereditary cancer-predisposing syndrome. Also called: Hereditary Cancer Syndrome; Hereditary neoplastic syndrome; Neoplastic Syndromes, Hereditary; Tumor predisposition. Identifiers: Orphanet 140162, MedGen C0027672, MeSH D009386, MONDO:0015356.
Familial cancer of breast. Also called: BREAST CANCER, FAMILIAL; hereditary breast carcinoma; Hereditary breast cancer. Identifiers: Orphanet 227535, MedGen C0346153, MONDO:0016419, OMIM 114480. Disease mechanism: loss of function.

Submissions (3):

Myriad Genetics, Inc.
Classification: Pathogenic for Familial cancer of breast. Last evaluated: 2023-05-19. Review status: criteria provided, single submitter. Criteria: Myriad Autosomal Dominant, Autosomal Recessive and X-Linked Classification Criteria (2023). Collection method: clinical testing. Allele origin: unknown.
Comment: This variant is considered pathogenic. This variant creates a frameshift predicted to result in premature protein truncation.

Baylor Genetics
Classification: Likely pathogenic for Familial cancer of breast. Last evaluated: 2022-04-22. Review status: criteria provided, single submitter. Criteria: ACMG Guidelines, 2015. Collection method: clinical testing. Allele origin: unknown.

Ambry Genetics
Classification: Pathogenic for Hereditary cancer-predisposing syndrome. Last evaluated: 2021-03-10. Review status: criteria provided, single submitter. Criteria: Ambry Variant Classification Scheme 2023. Collection method: clinical testing. Allele origin: germline.
Comment: The c.580_581delAG pathogenic mutation, located in coding exon 4 of the BARD1 gene, results from a deletion of two nucleotides at nucleotide positions 580 to 581, causing a translational frameshift with a predicted alternate stop codon (p.R194Gfs*2). This alteration has been reported in conjunction with a PMS2 alteration, c.989-2A>G, in a patient affected with breast cancer (Bonache S et al. J Cancer Res Clin Oncol, 2018 Dec;144:2495-2513). This alteration is expected to result in loss of function by premature protein truncation or nonsense-mediated mRNA decay. As such, this alteration is interpreted as a disease-causing mutation.

Literature cited by the submitters: PubMed 30306255 (cited by Ambry Genetics).

NM_000465.4(BARD1):c.580_581del (p.Arg194fs)

Gene: BARD1 (BRCA1 associated RING domain 1; minus strand). Cytogenetic location: 2q35.
Variant type: Microsatellite.
Coding change: c.580_581del on transcript NM_000465.4 (MANE Select); coding-DNA positions 580 to 581, 2 bases deleted (AG; older notation c.580_581delAG).
Protein change: p.Arg194fs; shifts the reading frame from arginine 194.
Molecular consequence: frameshift variant. On other transcripts: non-coding transcript variant (2), intron variant (3).
Genome position (GRCh38, 1-based): chr2:214,781,293-214,781,294, CT deleted on the plus strand (AG on the coding strand, the reverse complement: BARD1 is on the minus strand); deleting any 2 consecutive bases within chr2:214,781,293-214,781,297 gives the same sequence; the c. name uses the placement nearest the transcript's 3' end. VCF-style (leftmost placement, unchanged base first): chr2-214781292-CCT-C. GRCh37 (hg19) VCF-style: chr2-215646016-CCT-C.
Other names: c.523_524del, p.Arg175fs (NM_001282543.2); c.158+28118_158+28119del (NM_001282548.2); c.215+15767_215+15768del (NM_001282545.2); c.364+11003_364+11004del (NM_001282549.2); short protein forms R175fs, R194fs.
Identifiers: ClinVar variation 1749779 (VCV001749779.5), dbSNP rs2469511702, ClinGen allele CA2580616683.